The following is an entry in ClinVar:

GRCh37/hg19 17p13.3(chr17:2161424-2825460)x1

Genes: CLUH (CLUH binding protein of NUMT mRNA; minus strand), METTL16 (methyltransferase 16, RNA N6-adenosine; minus strand), MNT (MAX network transcriptional repressor; minus strand), PAFAH1B1 (platelet activating factor acetylhydrolase 1b regulatory subunit 1; plus strand), RAP1GAP2 (RAP1 GTPase activating protein 2; plus strand) and 4 more. Cytogenetic location: 17p13.3.
Variant type: copy number loss.
Change: copy number 1 (one copy instead of two) of chr17:2,161,424-2,825,460 (664.0 kb, GRCh37 coordinates, 1-based), cytogenetic band 17p13.3.
Identifiers: ClinVar variation 1807811 (VCV001807811.1).

ClinVar aggregate classification (germline): Pathogenic (1 of 4 stars; one submission).

Submission:

Quest Diagnostics Nichols Institute San Juan Capistrano
Classification: Pathogenic. Last evaluated: 2021-11-20. Review status: criteria provided, single submitter. Criteria: ACMG/ClinGen CNV Guidelines, 2019. Collection method: clinical testing. Allele origin: unknown.
Comment: The copy number loss of 17p13.3 involves multiple protein-coding genes, including PAFAH1B1 (OMIM 601545; also known as LIS1), and is expected to cause phenotypic and/or developmental abnormalities. Deletions of 17p13.3 overlapping this region cause Miller-Dieker lissencephaly syndrome (MDS; OMIM 247200), a contiguous gene deletion syndrome characterized by lissencephaly, dysmorphic facial features, heart defects, growth retardation, neurocognitive deficits, and seizures or electroencephalographic abnormalities. Haploinsufficiency of PAFAH1B1 is associated with the brain cortical malformations, ranging from complete agyria to subcortical band heterotopia (OMIM 607432), whereas deletions extending distally to include YWHAE (OMIM 605066) and CRK (OMIM 164762), which are not encompassed in this interval, are associated with more severe brain abnormalities and additional features seen in MDS (Romano 2020, Fontes 2017, Ostergaard 2012, Enomoto 2012, Bruno 2010, Nagamani 2009). Thus, this copy number variant (CNV) is interpreted as pathogenic. References: Bruno et al., J Med Genet. 2010 May;47(5):299-311. PMID: 20452996. Enomoto et al., Am J Med Genet A. 2012 Sep;158A(9):2347-52. PMID: 22887762. Fontes et al., Mol Syndromol. 2017 Jan;8(1):36-41. PMID: 28232781. Nagamani et al., J Med Genet. 2009 Dec;46(12):825-33. PMID: 19584063. Ostergaard et al., Eur J Med Genet. 2012 Jan;55(1):22-6. PMID: 22085993. Romano et al., Neurol Sci. 2020 Aug;41(8):2259-2262. PMID: 32323081.